The following is an entry in ClinVar:

NM_000901.5(NR3C2):c.1509C>T (p.Tyr503=)

Gene: NR3C2 (nuclear receptor subfamily 3 group C member 2; minus strand). Cytogenetic location: 4q31.23.
Variant type: single nucleotide variant.
Coding change: c.1509C>T on transcript NM_000901.5 (MANE Select); coding-DNA position 1509, C replaced by T.
Protein change: p.Tyr503=; no amino-acid change (tyrosine 503 retained).
Molecular consequence: synonymous variant. On other transcripts: non-coding transcript variant (1).
Genome position (GRCh38, 1-based): chr4:148,435,352, G>A on the plus strand (C>T on the coding strand, the complement: NR3C2 is on the minus strand). VCF-style: chr4-148435352-G-A. GRCh37 (hg19) VCF-style: chr4-149356504-G-A.
Other names: c.1509C>T, p.Tyr503= (NM_001166104.2, NM_001354819.1, NM_001437654.1 and 4 more transcripts).
Identifiers: ClinVar variation 4751873 (VCV004751873.2).

ClinVar aggregate classification (germline): Likely benign. Review status: criteria provided, multiple submitters, no conflicts (2 of 4 stars). 2 submissions from 2 submitters: Likely benign (2). Last evaluated 2026-03-02.

gnomAD v4.1: 44 of 1,614,174 alleles (0.0027%); highest among the groups gnomAD compares: African/African-American, 0.04%; no homozygotes.

Submissions (2):

Women's Health and Genetics/Laboratory Corporation of America, LabCorp
Classification: Likely benign. Last evaluated: 2026-03-02. Review status: criteria provided, single submitter. Criteria: LabCorp Variant Classification Summary - May 2015. Collection method: clinical testing. Allele origin: germline.
Comment: Variant summary: NR3C2 c.1509C>T alters a conserved nucleotide resulting in a synonymous change. Consensus agreement among computation tools predict no significant impact on normal splicing. However, these predictions have yet to be confirmed by functional studies. The variant allele was found at a frequency of 1.6e-05 in 251382 control chromosomes. The available data on variant occurrences in the general population are insufficient to allow any conclusion about variant significance. To our knowledge, no occurrence of c.1509C>T in individuals affected with NR3C2-related conditions and no experimental evidence demonstrating its impact on protein function have been reported. ClinVar contains an entry for this variant (Variation ID: 4751873). Based on the evidence outlined above, the variant was classified as likely benign.

Labcorp Genetics (formerly Invitae), Labcorp
Classification: Likely benign. Last evaluated: 2025-11-25. Review status: criteria provided, single submitter. Criteria: Invitae Variant Classification Sherloc (09022015). Collection method: clinical testing. Allele origin: germline.